The following is an entry in ClinVar:

ClinVar aggregate classification (germline): Uncertain significance (1 of 4 stars; one submission).

Conditions:
Early-infantile DEE. Also called: Early infantile epileptic encephalopathy with suppression bursts; Early infantile epileptic encephalopathy; Ohtahara syndrome. Identifiers: Orphanet 1934, MedGen C0393706, MONDO:0800491.

Submission:

Labcorp Genetics (formerly Invitae), Labcorp
Classification: Uncertain significance for Early-infantile DEE. Last evaluated: 2025-04-24. Review status: criteria provided, single submitter. Criteria: Invitae Variant Classification Sherloc (09022015). Collection method: clinical testing. Allele origin: germline.
Comment: This sequence change replaces glycine, which is neutral and non-polar, with valine, which is neutral and non-polar, at codon 848 of the SCN1A protein (p.Gly848Val). This variant is present in population databases (no rsID available, gnomAD 0.006%), including at least one homozygous and/or hemizygous individual. This variant has not been reported in the literature in individuals affected with SCN1A-related conditions. Invitae Evidence Modeling of protein sequence and biophysical properties (such as structural, functional, and spatial information, amino acid conservation, physicochemical variation, residue mobility, and thermodynamic stability) indicates that this missense variant is expected to disrupt SCN1A protein function with a positive predictive value of 95%. In summary, the available evidence is currently insufficient to determine the role of this variant in disease. Therefore, it has been classified as a Variant of Uncertain Significance.

NM_001165963.4(SCN1A):c.2543G>T (p.Gly848Val)

Gene: SCN1A (sodium voltage-gated channel alpha subunit 1; minus strand). Cytogenetic location: 2q24.3.
Variant type: single nucleotide variant.
Coding change: c.2543G>T on transcript NM_001165963.4 (MANE Select); coding-DNA position 2543, G replaced by T.
Protein change: p.Gly848Val; replaces glycine 848 with valine.
Molecular consequence: missense variant. On other transcripts: non-coding transcript variant (1).
Genome position (GRCh38, 1-based): chr2:166,039,469, C>A on the plus strand (G>T on the coding strand, the complement: SCN1A is on the minus strand). VCF-style: chr2-166039469-C-A. GRCh37 (hg19) VCF-style: chr2-166895979-C-A.
Other names: c.2459G>T, p.Gly820Val (NM_001165964.3, NM_001353957.2, NM_001353958.2); c.2543G>T, p.Gly848Val (NM_001202435.3, NM_001353948.2); c.2510G>T, p.Gly837Val (NM_001353949.2, NM_001353950.2, NM_001353951.2 and 2 more transcripts); c.2507G>T, p.Gly836Val (NM_001353954.2, NM_001353955.2); c.2456G>T, p.Gly819Val (NM_001353960.2); c.101G>T, p.Gly34Val (NM_001353961.2); short protein forms G34V, G819V, G820V, G836V, G837V, G848V.
Identifiers: ClinVar variation 4800278 (VCV004800278.1).